The following is an entry in ClinVar:

NM_053025.4(MYLK):c.1499G>C (p.Trp500Ser)

Gene: MYLK (myosin light chain kinase; minus strand). Cytogenetic location: 3q21.1.
Variant type: single nucleotide variant.
Coding change: c.1499G>C on transcript NM_053025.4 (MANE Select); coding-DNA position 1499, G replaced by C.
Protein change: p.Trp500Ser; replaces tryptophan 500 with serine.
Molecular consequence: missense variant. On other transcripts: intron variant (2).
Genome position (GRCh38, 1-based): chr3:123,732,913, C>G on the plus strand (G>C on the coding strand, the complement: MYLK is on the minus strand). VCF-style: chr3-123732913-C-G. GRCh37 (hg19) VCF-style: chr3-123451760-C-G.
Other names: c.971G>C, p.Trp324Ser (NM_001321309.2); c.1499G>C, p.Trp500Ser (NM_053027.4); c.1309+774G>C (NM_053028.4, NM_053026.4); short protein forms W324S, W500S.
Identifiers: ClinVar variation 4801759 (VCV004801759.1).
Genomic context (GRCh38, chr3:123,732,913, plus strand): 5'-TGTCCCACAGAGAATGCGGGGTGACCTGGAGAAGTGTACTCACTTTCCACTTGGAGGGTC[C>G]AGCTACAGGACAGCTGGCCTTGGGCGTTGGAAGCAGTGCAGCTGTATGTCCCACTGTCCC-3'
Protein context (NP_444253.3, residues 490-510): SNAQGQLSCS[Trp500Ser]TLQVERLAVM

ClinVar aggregate classification (germline): Uncertain significance (1 of 4 stars; one submission).

Conditions:
Aortic aneurysm, familial thoracic 7 (AAT7). Also called: AORTIC DISSECTION, FAMILIAL, WITH OR WITHOUT AORTIC ANEURYSM. Identifiers: MedGen C3151077, MONDO:0013418, OMIM 613780.

Submission:

Labcorp Genetics (formerly Invitae), Labcorp
Classification: Uncertain significance for Aortic aneurysm, familial thoracic 7. Last evaluated: 2025-02-06. Review status: criteria provided, single submitter. Criteria: Invitae Variant Classification Sherloc (09022015). Collection method: clinical testing. Allele origin: germline.
Comment: This sequence change replaces tryptophan, which is neutral and slightly polar, with serine, which is neutral and polar, at codon 500 of the MYLK protein (p.Trp500Ser). This variant is not present in population databases (gnomAD no frequency). This variant has not been reported in the literature in individuals affected with MYLK-related conditions. Invitae Evidence Modeling of protein sequence and biophysical properties (such as structural, functional, and spatial information, amino acid conservation, physicochemical variation, residue mobility, and thermodynamic stability) indicates that this missense variant is not expected to disrupt MYLK protein function with a negative predictive value of 95%. In summary, the available evidence is currently insufficient to determine the role of this variant in disease. Therefore, it has been classified as a Variant of Uncertain Significance.